The following is an entry in ClinVar:

NM_018136.5(ASPM):c.4787A>G (p.His1596Arg)

Gene: ASPM (assembly factor for spindle microtubules; minus strand). Cytogenetic location: 1q31.3.
Variant type: single nucleotide variant.
Coding change: c.4787A>G on transcript NM_018136.5 (MANE Select); coding-DNA position 4787, A replaced by G.
Protein change: p.His1596Arg; replaces histidine 1596 with arginine.
Molecular consequence: missense variant. On other transcripts: intron variant (1).
Genome position (GRCh38, 1-based): chr1:197,104,464, T>C on the plus strand (A>G on the coding strand, the complement: ASPM is on the minus strand). VCF-style: chr1-197104464-T-C. GRCh37 (hg19) VCF-style: chr1-197073594-T-C.
Other names: c.4066-8300A>G (NM_001206846.2); c.4787A>G (NM_018136.4); short protein forms H1596R.
Identifiers: ClinVar variation 2160568 (VCV002160568.2), dbSNP rs375960359, ClinGen allele CA1309866.

ClinVar aggregate classification (germline): Uncertain significance. Review status: criteria provided, multiple submitters, no conflicts (2 of 4 stars). 2 submissions from 2 submitters: Uncertain significance (2). Last evaluated 2025-05-29.

Conditions:
Inborn genetic diseases. Identifiers: MedGen C0950123, MeSH D030342.

Allele frequency attached by ClinVar (database versions not stated): TOPMed below 0.00001; ExAC 0.00001; gnomAD exomes 0.00002; gnomAD 0.00001; ESP Exome Variant Server 0.00008.
gnomAD v4.1: 32 of 1,612,824 alleles (0.002%); highest among the groups gnomAD compares: Non-Finnish European, 0.0026%; no homozygotes.

Submissions (2):

Ambry Genetics
Classification: Uncertain significance for Inborn genetic diseases. Last evaluated: 2025-05-29. Review status: criteria provided, single submitter. Criteria: Ambry Variant Classification Scheme 2023. Collection method: clinical testing. Allele origin: germline.

Labcorp Genetics (formerly Invitae), Labcorp
Classification: Uncertain significance. Last evaluated: 2022-06-23. Review status: criteria provided, single submitter. Criteria: Invitae Variant Classification Sherloc (09022015). Collection method: clinical testing. Allele origin: germline.
Comment: This sequence change replaces histidine, which is basic and polar, with arginine, which is basic and polar, at codon 1596 of the ASPM protein (p.His1596Arg). This variant is present in population databases (rs375960359, gnomAD 0.002%). This variant has not been reported in the literature in individuals affected with ASPM-related conditions. Algorithms developed to predict the effect of missense changes on protein structure and function output the following: SIFT: "Tolerated"; PolyPhen-2: "Benign"; Align-GVGD: "Class C0". The arginine amino acid residue is found in multiple mammalian species, which suggests that this missense change does not adversely affect protein function. In summary, the available evidence is currently insufficient to determine the role of this variant in disease. Therefore, it has been classified as a Variant of Uncertain Significance.